The following is an entry in ClinVar:

NM_003816.3(ADAM9):c.394G>C (p.Asp132His)

Gene: ADAM9 (ADAM metallopeptidase domain 9; plus strand). Cytogenetic location: 8p11.22.
Variant type: single nucleotide variant.
Coding change: c.394G>C on transcript NM_003816.3 (MANE Select); coding-DNA position 394, G replaced by C.
Protein change: p.Asp132His; replaces aspartic acid 132 with histidine.
Molecular consequence: missense variant. On other transcripts: non-coding transcript variant (3).
Genome position (GRCh38, 1-based): chr8:39,016,178, G>C. VCF-style: chr8-39016178-G-C. GRCh37 (hg19) VCF-style: chr8-38873697-G-C.
Other names: short protein forms D132H.
Identifiers: ClinVar variation 2168071 (VCV002168071.4), dbSNP rs761792735, ClinGen allele CA370753155.

ClinVar aggregate classification (germline): Uncertain significance (1 of 4 stars; one submission).

Submission:

Labcorp Genetics (formerly Invitae), Labcorp
Classification: Uncertain significance. Last evaluated: 2022-07-13. Review status: criteria provided, single submitter. Criteria: Invitae Variant Classification Sherloc (09022015). Collection method: clinical testing. Allele origin: germline.
Comment: This variant has not been reported in the literature in individuals affected with ADAM9-related conditions. Algorithms developed to predict the effect of missense changes on protein structure and function are either unavailable or do not agree on the potential impact of this missense change (SIFT: "Tolerated"; PolyPhen-2: "Possibly Damaging"; Align-GVGD: "Class C0"). In summary, the available evidence is currently insufficient to determine the role of this variant in disease. Therefore, it has been classified as a Variant of Uncertain Significance. This variant is present in population databases (no rsID available, gnomAD 0.007%). This sequence change replaces aspartic acid, which is acidic and polar, with histidine, which is basic and polar, at codon 132 of the ADAM9 protein (p.Asp132His).